The following is an entry in ClinVar:

NC_000001.10:g.(?_120457929)_(120529725_?)dup

Gene: NOTCH2 (notch receptor 2; minus strand). Cytogenetic location: 1p12.
Variant type: Duplication.
Identifiers: ClinVar variation 3247715 (VCV003247715.1).

ClinVar aggregate classification (germline): Uncertain significance (1 of 4 stars; one submission).

Conditions:
Hajdu-Cheney syndrome (HJCYS). Also called: ACROOSTEOLYSIS WITH OSTEOPOROSIS AND CHANGES IN SKULL AND MANDIBLE; SERPENTINE FIBULA-POLYCYSTIC KIDNEY SYNDROME; Acroosteolysis dominant type. Identifiers: Orphanet 955, MedGen C0917715, MONDO:0007057, OMIM 102500.

Submission:

Labcorp Genetics (formerly Invitae), Labcorp
Classification: Uncertain significance for Hajdu-Cheney syndrome. Last evaluated: 2024-01-29. Review status: criteria provided, single submitter. Criteria: Invitae Variant Classification Sherloc (09022015). Collection method: clinical testing. Allele origin: unknown.
Comment: This variant results in a copy number gain of the genomic region encompassing exon(s) 5-34 of the NOTCH2 gene. This region includes the termination codon of the gene. This copy number gain extends beyond the assayed region for this gene and therefore may encompass additional genes. As the precise location of this event is unknown, it may be in tandem or it may be located elsewhere in the genome. This variant has not been reported in the literature in individuals affected with NOTCH2-related conditions. Experimental studies and prediction algorithms are not available or were not evaluated, and the functional significance of this variant is currently unknown. In summary, the available evidence is currently insufficient to determine the role of this variant in disease. Therefore, it has been classified as a Variant of Uncertain Significance.